The following is an entry in ClinVar:

NC_000006.12:g.(?_162262525)_(162275409_?)dup

Gene: PRKN (parkin RBR E3 ubiquitin protein ligase; minus strand). Cytogenetic location: 6q26.
Variant type: Duplication.
Identifiers: ClinVar variation 830820 (VCV000830820.1).

ClinVar aggregate classification (germline): Pathogenic (1 of 4 stars; one submission).

Conditions:
Autosomal recessive juvenile Parkinson disease 2. Also called: PARKINSON DISEASE, JUVENILE, AUTOSOMAL RECESSIVE; PRKN-Related Early-Onset Parkinson Disease; Parkinson disease, juvenile, type 2; Parkinson disease autosomal recessive, early onset; Juvenile parkinsonism; Parkinsonism, early onset, with diurnal fluctuation. Identifiers: Orphanet 2828, MedGen C1868675, MONDO:0010820, OMIM 600116.

Submission:

Labcorp Genetics (formerly Invitae), Labcorp
Classification: Pathogenic for Parkinson disease 2. Last evaluated: 2019-07-29. Review status: criteria provided, single submitter. Criteria: Invitae Variant Classification Sherloc (09022015). Collection method: clinical testing. Allele origin: germline.
Comment: This variant results in a copy number gain of the genomic region encompassing exon 3 of the PRKN gene. While the exact position of this variant cannot be determined from this data, sub-genic copy number gains are generally in tandem (PMID: 25640679) and may result in an absent or disrupted protein product. This variant has been observed to be homozygous or in combination with another Pathogenic PRKN variant in individuals affected with clinical features of PRKN-related early-onset Parkinson's disease (PMID: 10824074, Invitae). Loss-of-function variants in PRKN are known to be pathogenic (PMID: 10072423, 20301651, 22956510). For these reasons, this variant has been classified as Pathogenic.

Literature cited by the submitters: PubMed 22956510; PubMed 10072423; PubMed 10824074; PubMed 20301651.